The following is an entry in ClinVar:

ClinVar aggregate classification (germline): Conflicting classifications of pathogenicity. Review status: criteria provided, conflicting classifications (1 of 4 stars). 4 submissions from 4 submitters: Uncertain significance (1); Benign (2). 1 of the submissions does not count toward it. Last evaluated 2026-01-18.

Conditions:
CACNA1H-related disorder.
Idiopathic generalized epilepsy. Also called: Generalised epilepsy; EIG. Identifiers: MedGen C0270850, MONDO:0005579, OMIM 600669.
Hyperaldosteronism, familial, type IV (HALD4). Also called: FH IV; ALDOSTERONISM, PRIMARY, AND HYPERTENSION. Identifiers: Orphanet 642671, MedGen C4310756, MONDO:0014875, OMIM 617027.

Allele frequency attached by ClinVar (database versions not stated): ESP Exome Variant Server 0.00072; TOPMed 0.00117; ExAC 0.00069; gnomAD 0.00105 and 0.00109; 1000 Genomes Project 30x 0.00141; gnomAD exomes 0.00013 and 0.00030; 1000 Genomes Project 0.00160.
gnomAD v4.1: 343 of 1,602,074 alleles (0.021%); highest among the groups gnomAD compares: African/African-American, 0.34%; 2 homozygotes.

Submissions (4):

Labcorp Genetics (formerly Invitae), Labcorp
Classification: Benign for Idiopathic generalized epilepsy; Hyperaldosteronism, familial, type IV. Last evaluated: 2026-01-18. Review status: criteria provided, single submitter. Criteria: Invitae Variant Classification Sherloc (09022015). Collection method: clinical testing. Allele origin: germline.

GeneDx
Classification: Uncertain significance. Last evaluated: 2025-04-27. Review status: criteria provided, single submitter. Criteria: GeneDx Variant Classification Process June 2021. Collection method: clinical testing. Allele origin: germline. Affected: yes.
Comment: In silico analysis supports that this missense variant has a deleterious effect on protein structure/function; Has not been previously published as pathogenic or benign to our knowledge

Athena Diagnostics
Classification: Benign. Last evaluated: 2021-04-30. Review status: criteria provided, single submitter. Criteria: Athena Diagnostics criteria. Collection method: clinical testing. Allele origin: unknown.

PreventionGenetics, part of Exact Sciences
Classification: Likely benign for CACNA1H-related condition. Last evaluated: 2019-12-31. Review status: no assertion criteria provided. Collection method: clinical testing. Allele origin: germline. Not counted in ClinVar's aggregate classification.
Comment: This variant is classified as likely benign based on ACMG/AMP sequence variant interpretation guidelines (Richards et al. 2015 PMID: 25741868, with internal and published modifications).

NM_021098.3(CACNA1H):c.3115G>A (p.Glu1039Lys)

Gene: CACNA1H (calcium voltage-gated channel subunit alpha1 H; plus strand). Cytogenetic location: 16p13.3.
Variant type: single nucleotide variant.
Coding change: c.3115G>A on transcript NM_021098.3 (MANE Select); coding-DNA position 3115, G replaced by A.
Protein change: p.Glu1039Lys; replaces glutamic acid 1039 with lysine.
Molecular consequence: missense variant.
Genome position (GRCh38, 1-based): chr16:1,207,821, G>A. VCF-style: chr16-1207821-G-A. GRCh37 (hg19) VCF-style: chr16-1257821-G-A.
Other names: c.3115G>A, p.Glu1039Lys (NM_001005407.2); short protein forms E1039K.
Identifiers: ClinVar variation 771556 (VCV000771556.15), dbSNP rs140421233, ClinGen allele CA7800617.
Genomic context (GRCh38, chr16:1,207,821, plus strand): 5'-TGGGTTTAGGGCGATGCCAACAGATCCGACACGGACGAGGACAAGACGTCGGTCCACTTC[G>A]AGGAGGACTTCCACAAGCTCAGAGAACTCCAGACCACAGGTGCGTGTGGTCGGTGGGTGG-3'
Protein context (NP_066921.2, residues 1029-1049): TDEDKTSVHF[Glu1039Lys]EDFHKLRELQ